The following is an entry in ClinVar:

ClinVar aggregate classification (germline): Uncertain significance. Review status: criteria provided, multiple submitters, no conflicts (2 of 4 stars). 3 submissions from 3 submitters: Uncertain significance (3). Last evaluated 2025-07-17.

Allele frequency attached by ClinVar (database versions not stated): ExAC 0.00011; gnomAD 0.00026 and 0.00024; 1000 Genomes Project 0.00040; gnomAD exomes 0.00004 and 0.00010; TOPMed 0.00023; 1000 Genomes Project 30x 0.00031; ESP Exome Variant Server 0.00031.
gnomAD v4.1: 90 of 1,613,720 alleles (0.0056%); highest among the groups gnomAD compares: African/African-American, 0.096%; no homozygotes.

Submissions (3):

GeneDx
Classification: Uncertain significance. Last evaluated: 2025-07-17. Review status: criteria provided, single submitter. Criteria: GeneDx Variant Classification Process June 2021. Collection method: clinical testing. Allele origin: germline.
Comment: Has not been previously published as pathogenic or benign to our knowledge; In silico analysis suggests this variant may impact gene splicing. In the absence of RNA/functional studies, the actual effect of this sequence change is unknown.

Women's Health and Genetics/Laboratory Corporation of America, LabCorp
Classification: Uncertain significance. Last evaluated: 2024-02-04. Review status: criteria provided, single submitter. Criteria: LabCorp Variant Classification Summary - May 2015. Collection method: clinical testing. Allele origin: germline.

Labcorp Genetics (formerly Invitae), Labcorp
Classification: Uncertain significance. Last evaluated: 2021-12-02. Review status: criteria provided, single submitter. Criteria: Invitae Variant Classification Sherloc (09022015). Collection method: clinical testing. Allele origin: germline.
Comment: This sequence change falls in intron 17 of the ERCC2 gene. It does not directly change the encoded amino acid sequence of the ERCC2 protein. It affects a nucleotide within the consensus splice site. This variant is present in population databases (rs200360638, gnomAD 0.1%). This variant has not been reported in the literature in individuals affected with ERCC2-related conditions. Variants that disrupt the consensus splice site are a relatively common cause of aberrant splicing (PMID: 17576681, 9536098). Algorithms developed to predict the effect of sequence changes on RNA splicing suggest that this variant may disrupt the consensus splice site. In summary, the available evidence is currently insufficient to determine the role of this variant in disease. Therefore, it has been classified as a Variant of Uncertain Significance.

Literature cited by the submitters: PubMed 17576681 (cited by Labcorp Genetics (formerly Invitae), Labcorp); PubMed 9536098 (cited by Labcorp Genetics (formerly Invitae), Labcorp).

NM_000400.4(ERCC2):c.1665+5G>A

Gene: ERCC2 (ERCC excision repair 2, TFIIH core complex helicase subunit; minus strand). Cytogenetic location: 19q13.32.
Variant type: single nucleotide variant.
Coding change: c.1665+5G>A on transcript NM_000400.4 (MANE Select); 5 bases into the intron after coding-DNA position 1665, G replaced by A.
Molecular consequence: intron variant.
Genome position (GRCh38, 1-based): chr19:45,354,725, C>T on the plus strand (G>A on the coding strand, the complement: ERCC2 is on the minus strand). VCF-style: chr19-45354725-C-T. GRCh37 (hg19) VCF-style: chr19-45857983-C-T.
Identifiers: ClinVar variation 1525537 (VCV001525537.8), dbSNP rs200360638, ClinGen allele CA9513169.
Genomic context (GRCh38, chr19:45,354,725, plus strand): 5'-TGACATAGCGGTGCAGTGCCAGGGACTGAGGAGAGCAGGTGCAGGGAGGGGGTGGCCAGG[C>T]GTACCTGCTCATACCAGGAGGCCACGGTGCTCTCCATGTACTGGTAGCTGGTGAAGAAGG-3'